The following is an entry in ClinVar:

ClinVar aggregate classification (germline): Uncertain significance. Review status: criteria provided, multiple submitters, no conflicts (2 of 4 stars). 2 submissions from 2 submitters: Uncertain significance (2). Last evaluated 2022-11-10.

Conditions:
BAP1-related tumor predisposition syndrome (TPDS1). Also called: Tumor susceptibility linked to germline BAP1 mutations; BAP1 tumor predisposition syndrome; TUMOR PREDISPOSITION SYNDROME 1; COMMON Syndrome. Identifiers: Orphanet 289539, MedGen C3280492, MONDO:0013692, OMIM 614327.
Hereditary cancer-predisposing syndrome. Also called: Neoplastic Syndromes, Hereditary; Tumor predisposition; Hereditary Cancer Syndrome; Hereditary neoplastic syndrome. Identifiers: Orphanet 140162, MedGen C0027672, MeSH D009386, MONDO:0015356.

Allele frequency attached by ClinVar (database versions not stated): gnomAD exomes below 0.00001; ExAC 0.00001.
gnomAD v4.1: 2 of 1,614,094 alleles (0.00012%); highest among the groups gnomAD compares: Admixed American, 0.0017%; no homozygotes.

Submissions (2):

Ambry Genetics
Classification: Uncertain significance for Hereditary cancer-predisposing syndrome. Last evaluated: 2022-11-10. Review status: criteria provided, single submitter. Criteria: Ambry Variant Classification Scheme 2023. Collection method: clinical testing. Allele origin: germline.
Comment: The p.N330K variant (also known as c.990C>G), located in coding exon 11 of the BAP1 gene, results from a C to G substitution at nucleotide position 990. The asparagine at codon 330 is replaced by lysine, an amino acid with similar properties. This amino acid position is conserved. In addition, this alteration is predicted to be tolerated by in silico analysis. Since supporting evidence is limited at this time, the clinical significance of this alteration remains unclear.

Labcorp Genetics (formerly Invitae), Labcorp
Classification: Uncertain significance for BAP1-related tumor predisposition syndrome. Last evaluated: 2021-11-05. Review status: criteria provided, single submitter. Criteria: Invitae Variant Classification Sherloc (09022015). Collection method: clinical testing. Allele origin: germline.
Comment: In summary, the available evidence is currently insufficient to determine the role of this variant in disease. Therefore, it has been classified as a Variant of Uncertain Significance. Algorithms developed to predict the effect of missense changes on protein structure and function (SIFT, PolyPhen-2, Align-GVGD) all suggest that this variant is likely to be tolerated. ClinVar contains an entry for this variant (Variation ID: 638885). This variant has not been reported in the literature in individuals affected with BAP1-related conditions. This variant is present in population databases (rs773432365, gnomAD 0.003%). This sequence change replaces asparagine, which is neutral and polar, with lysine, which is basic and polar, at codon 330 of the BAP1 protein (p.Asn330Lys).

NM_004656.4(BAP1):c.990C>G (p.Asn330Lys)

Gene: BAP1 (BRCA1 associated deubiquitinase 1; minus strand). Cytogenetic location: 3p21.1.
Variant type: single nucleotide variant.
Coding change: c.990C>G on transcript NM_004656.4 (MANE Select); coding-DNA position 990, C replaced by G.
Protein change: p.Asn330Lys; replaces asparagine 330 with lysine.
Molecular consequence: missense variant.
Genome position (GRCh38, 1-based): chr3:52,405,236, G>C on the plus strand (C>G on the coding strand, the complement: BAP1 is on the minus strand). VCF-style: chr3-52405236-G-C. GRCh37 (hg19) VCF-style: chr3-52439252-G-C.
Other names: c.990C>G (NM_004656.2); short protein forms N330K.
Identifiers: ClinVar variation 638885 (VCV000638885.7), dbSNP rs773432365, ClinGen allele CA2436944.